The following is an entry in ClinVar:

NM_001605.3(AARS1):c.1967delinsAGGTGATTGAGG (p.Ala656fs)

Gene: AARS1 (alanyl-tRNA synthetase 1; minus strand). Cytogenetic location: 16q22.1.
Variant type: Indel.
Coding change: c.1967delinsAGGTGATTGAGG on transcript NM_001605.3 (MANE Select); coding-DNA position 1967, C replaced by AGGTGATTGAGG.
Protein change: p.Ala656fs; shifts the reading frame from alanine 656.
Molecular consequence: frameshift variant.
Genome position (GRCh38, 1-based): chr16:70,259,005, G replaced by CCTCAATCACCT on the plus strand (C replaced by AGGTGATTGAGG on the coding strand, the reverse complement: AARS1 is on the minus strand). VCF-style: chr16-70259005-G-CCTCAATCACCT. GRCh37 (hg19) VCF-style: chr16-70292908-G-CCTCAATCACCT.
Other names: short protein forms A656fs.
Identifiers: ClinVar variation 639888 (VCV000639888.5), dbSNP rs1597435790, ClinGen allele CA915949342.

ClinVar aggregate classification (germline): Pathogenic (1 of 4 stars; one submission).

Conditions:
Charcot-Marie-Tooth disease type 2. Also called: Charcot-Marie-Tooth type 2. Identifiers: Orphanet 64746, MedGen C0270914, MONDO:0018993.

Submission:

Labcorp Genetics (formerly Invitae), Labcorp
Classification: Pathogenic for Charcot-Marie-Tooth disease type 2. Last evaluated: 2023-02-06. Review status: criteria provided, single submitter. Criteria: Invitae Variant Classification Sherloc (09022015). Collection method: clinical testing. Allele origin: germline.
Comment: This sequence change creates a premature translational stop signal (p.Ala656Glufs*8) in the AARS gene. It is expected to result in an absent or disrupted protein product. Loss-of-function variants in AARS are known to be pathogenic (PMID: 25817015, 28493438, 34446925). Information on the frequency of this variant in the gnomAD database is not available, as this variant may be reported differently in the database. This variant has not been reported in the literature in individuals affected with AARS-related conditions. For these reasons, this variant has been classified as Pathogenic.

Literature cited by the submitters: PubMed 25817015; PubMed 28493438; PubMed 34446925.